The following is an entry in ClinVar:

NM_004787.4(SLIT2):c.467+4A>G

Gene: SLIT2 (slit guidance ligand 2; plus strand). Cytogenetic location: 4p15.31.
Variant type: single nucleotide variant.
Coding change: c.467+4A>G on transcript NM_004787.4 (MANE Select); 4 bases into the intron after coding-DNA position 467, A replaced by G.
Molecular consequence: intron variant.
Genome position (GRCh38, 1-based): chr4:20,467,827, A>G. VCF-style: chr4-20467827-A-G. GRCh37 (hg19) VCF-style: chr4-20469450-A-G.
Other names: c.467+4A>G (NM_001289135.3, NM_001289136.3).
Identifiers: ClinVar variation 4722799 (VCV004722799.1).
Genomic context (GRCh38, chr4:20,467,827, plus strand): 5'-CCAAATTCAGGCAATCCCAAGGAAAGCTTTCCGTGGGGCAGTTGACATAAAAAATTTGTA[A>G]GTATCTATTTTTAAATTTATAGTGTTTTAAGTCATTATCTATTTTCAAAGTCAAGTTTAT-3'

ClinVar aggregate classification (germline): Uncertain significance (1 of 4 stars; one submission).

Submission:

Labcorp Genetics (formerly Invitae), Labcorp
Classification: Uncertain significance. Last evaluated: 2025-07-06. Review status: criteria provided, single submitter. Criteria: Invitae Variant Classification Sherloc (09022015). Collection method: clinical testing. Allele origin: germline.
Comment: This sequence change falls in intron 5 of the SLIT2 gene. It does not directly change the encoded amino acid sequence of the SLIT2 protein. It affects a nucleotide within the consensus splice site. This variant is not present in population databases (gnomAD no frequency). This variant has not been reported in the literature in individuals affected with SLIT2-related conditions. Variants that disrupt the consensus splice site are a relatively common cause of aberrant splicing (PMID: 17576681, 9536098). Algorithms developed to predict the effect of sequence changes on RNA splicing suggest that this variant may disrupt the consensus splice site. In summary, the available evidence is currently insufficient to determine the role of this variant in disease. Therefore, it has been classified as a Variant of Uncertain Significance.

Literature cited by the submitters: PubMed 17576681; PubMed 9536098.